The following is an entry in ClinVar:

NM_004463.3(FGD1):c.2417G>A (p.Arg806His)

Gene: FGD1 (FYVE, RhoGEF and PH domain containing 1; minus strand). Cytogenetic location: Xp11.22.
Variant type: single nucleotide variant.
Coding change: c.2417G>A on transcript NM_004463.3 (MANE Select); coding-DNA position 2417, G replaced by A.
Protein change: p.Arg806His; replaces arginine 806 with histidine.
Molecular consequence: missense variant.
Genome position (GRCh38, 1-based): chrX:54,448,825, C>T on the plus strand (G>A on the coding strand, the complement: FGD1 is on the minus strand). VCF-style: chrX-54448825-C-T. GRCh37 (hg19) VCF-style: chrX-54475258-C-T.
Other names: short protein forms R806H.
Identifiers: ClinVar variation 3255131 (VCV003255131.1), dbSNP rs1569540985.

ClinVar aggregate classification (germline): Likely benign (1 of 4 stars; one submission).

Conditions:
Aarskog syndrome (AAS). Also called: Aarskog Scott syndrome; Aarskog disease; Aarskog-Scott syndrome, X-linked; FGDY; FGD1-Related Faciogenital Dysplasia (Aarskog-Scott Syndrome). Identifiers: Orphanet 915, MedGen C0175701, MONDO:0010589, OMIM 305400.

Allele frequency attached by ClinVar (database versions not stated): gnomAD 0.00001; TOPMed 0.00002; gnomAD exomes 0.00003.
gnomAD v4.1: 30 of 1,209,917 alleles (0.0025%); highest among the groups gnomAD compares: Non-Finnish European, 0.0031%; no homozygotes.

Submission:

Victorian Clinical Genetics Services, Murdoch Childrens Research Institute
Classification: Likely benign for Aarskog syndrome. Last evaluated: 2023-07-16. Review status: criteria provided, single submitter. Criteria: ACMG Guidelines, 2015. Collection method: clinical testing. Allele origin: germline. Inheritance: X-linked recessive inheritance. Affected: yes.
Comment: Based on the classification scheme VCGS_Germline_v1.3.4, this variant is classified as likely benign. Following criteria are met: 0102 - Loss of function is a known mechanism of disease in this gene and is associated with intellectual developmental disorder, X-linked, syndromic 16 and Aarskog-Scott syndrome (MIM#305400). (I) 0109 - This gene is associated with X-linked recessive disease. Heterozygous females may be clinically unaffected unless there is skewed X-inactivation (OMIM). (I) 0200 - Variant is predicted to result in a missense amino acid change from arginine to histidine. (I) 0253 - This variant is hemizygous. (I) 0302 - Variant is present in gnomAD (v2, v3) <0.001 for a dominant condition (1 heterozygote, 0 homozygotes, 1 hemizygote). (SP) 0502 - Missense variant with conflicting in silico predictions and uninformative conservation. (I) 0604 - Variant is not located in an established domain, motif, hotspot or informative constraint region. (I) 0705 - No comparable missense variants have previous evidence for pathogenicity. (I) 0807 - This variant has no previous evidence of pathogenicity. (I) 0905 - No published segregation evidence has been identified for this variant. (I) 1007 - No published functional evidence has been identified for this variant. (I) Legend: (SP) - Supporting pathogenic, (I) - Information, (SB) - Supporting benign